The following is an entry in ClinVar:

ClinVar aggregate classification (germline): Pathogenic. Review status: criteria provided, multiple submitters, no conflicts (2 of 4 stars). 4 submissions from 4 submitters: Pathogenic (4). Last evaluated 2025-01-08.

Conditions:
Asphyxiating thoracic dystrophy 3. Also called: Saldino-Noonan Syndrome; SHORT-RIB THORACIC DYSPLASIA 3 WITH OR WITHOUT POLYDACTYLY; POLYDACTYLY WITH NEONATAL CHONDRODYSTROPHY, TYPE I; SHORT-RIB THORACIC DYSPLASIA 3/6 WITH POLYDACTYLY, DIGENIC; Short rib polydactyly syndrome 2B. Identifiers: Orphanet 474, Orphanet 93269, Orphanet 93270, Orphanet 93271, MedGen C0036069, MONDO:0013127, OMIM 613091.
Jeune thoracic dystrophy. Also called: Jeune syndrome; Short-rib thoracic dysplasia; Infantile thoracic dystrophy; Thoracic pelvic phalangeal dystrophy; Jeune's syndrome; Chondroectodermal dysplasia-like syndrome. Identifiers: Orphanet 474, MedGen C0265275, MONDO:0018770.

Allele frequency attached by ClinVar (database versions not stated): gnomAD exomes below 0.00001; TOPMed below 0.00001.
gnomAD v4.1: 3 of 1,549,232 alleles (0.00019%); no homozygotes.

Submissions (4):

Myriad Genetics, Inc.
Classification: Pathogenic for Asphyxiating thoracic dystrophy 3. Last evaluated: 2025-01-08. Review status: criteria provided, single submitter. Criteria: Myriad Autosomal Dominant, Autosomal Recessive and X-Linked Classification Criteria (2023). Collection method: clinical testing. Allele origin: unknown.
Comment: NM_001377.2(DYNC2H1):c.1855C>T(Q619*) is expected to be pathogenic in the context of DYNC2H1-related disorders. This variant is predicted to lead to an abnormal or absent protein product due to the creation of a premature termination codon in DYNC2H1, a gene where loss-of-function variants are known to be pathogenic. Please note: this variant was assessed in the context of healthy population screening.

Labcorp Genetics (formerly Invitae), Labcorp
Classification: Pathogenic for Jeune thoracic dystrophy. Last evaluated: 2024-03-03. Review status: criteria provided, single submitter. Criteria: Invitae Variant Classification Sherloc (09022015). Collection method: clinical testing. Allele origin: germline.
Comment: This sequence change creates a premature translational stop signal (p.Gln619*) in the DYNC2H1 gene. It is expected to result in an absent or disrupted protein product. Loss-of-function variants in DYNC2H1 are known to be pathogenic (PMID: 23339108, 32753734, 33755199). This variant is present in population databases (no rsID available, gnomAD 0.01%). This variant has not been reported in the literature in individuals affected with DYNC2H1-related conditions. ClinVar contains an entry for this variant (Variation ID: 558745). Algorithms developed to predict the effect of sequence changes on RNA splicing suggest that this variant may disrupt the consensus splice site. For these reasons, this variant has been classified as Pathogenic.

Rare Disease Group, Clinical Genetics, Karolinska Institutet
Classification: Pathogenic for Jeune thoracic dystrophy. Last evaluated: 2018-05-01. Review status: criteria provided, single submitter. Criteria: ACMG Guidelines, 2015. Collection method: research. Allele origin: paternal. Inheritance: Autosomal recessive inheritance. Affected: yes.

Clinical Genetics and Genomics, Karolinska University Hospital
Classification: Pathogenic. Last evaluated: 2015-12-22. Review status: criteria provided, single submitter. Criteria: ACMG Guidelines, 2015. Collection method: clinical testing. Allele origin: germline. Affected: yes. Observed: 1 variant allele.

Literature cited by the submitters: PubMed 23339108 (cited by Labcorp Genetics (formerly Invitae), Labcorp); PubMed 32753734 (cited by Labcorp Genetics (formerly Invitae), Labcorp); PubMed 33755199 (cited by Labcorp Genetics (formerly Invitae), Labcorp).

NM_001377.3(DYNC2H1):c.1855C>T (p.Gln619Ter)

Gene: DYNC2H1 (dynein cytoplasmic 2 heavy chain 1; plus strand). Cytogenetic location: 11q22.3.
Variant type: single nucleotide variant.
Coding change: c.1855C>T on transcript NM_001377.3 (MANE Select); coding-DNA position 1855, C replaced by T.
Protein change: p.Gln619Ter; replaces glutamine 619 with a stop codon.
Molecular consequence: nonsense.
Genome position (GRCh38, 1-based): chr11:103,125,293, C>T. VCF-style: chr11-103125293-C-T. GRCh37 (hg19) VCF-style: chr11-102996022-C-T.
Other names: c.1855C>T, p.Gln619Ter (NM_001080463.2); short protein forms Q619*.
Identifiers: ClinVar variation 558745 (VCV000558745.8), dbSNP rs1260978141, ClinGen allele CA382255287.